The following is an entry in ClinVar:

NM_152701.5(ABCA13):c.11519C>T (p.Pro3840Leu)

Gene: ABCA13 (ATP binding cassette subfamily A member 13; plus strand). Cytogenetic location: 7p12.3.
Variant type: single nucleotide variant.
Coding change: c.11519C>T on transcript NM_152701.5 (MANE Select); coding-DNA position 11519, C replaced by T.
Protein change: p.Pro3840Leu; replaces proline 3840 with leucine.
Molecular consequence: missense variant.
Genome position (GRCh38, 1-based): chr7:48,389,085, C>T. VCF-style: chr7-48389085-C-T. GRCh37 (hg19) VCF-style: chr7-48428682-C-T.
Other names: short protein forms P3840L.
Identifiers: ClinVar variation 2657489 (VCV002657489.24), dbSNP rs187262435, ClinGen allele CA4258654.

ClinVar aggregate classification (germline): Benign (1 of 4 stars; one submission).

Allele frequency attached by ClinVar (database versions not stated): gnomAD exomes 0.00006; ExAC 0.00017; 1000 Genomes Project 0.00040; 1000 Genomes Project 30x 0.00047; gnomAD 0.00052; ESP Exome Variant Server 0.00083.
gnomAD v4.1: 176 of 1,613,878 alleles (0.011%); highest among the groups gnomAD compares: African/African-American, 0.2%; no homozygotes.

Submission:

CeGaT Center for Human Genetics Tuebingen
Classification: Benign. Last evaluated: 2022-07-01. Review status: criteria provided, single submitter. Criteria: CeGaT Center For Human Genetics Tuebingen Variant Classification Criteria Version 2. Collection method: clinical testing. Allele origin: germline. Affected: yes. Observed: 1 variant allele.
Comment: ABCA13: BS1, BS2